The following is an entry in ClinVar:

NM_000195.5(HPS1):c.198G>A (p.Ser66=)

Gene: HPS1 (HPS1 biogenesis of lysosomal organelles complex 3 subunit 1; minus strand). Cytogenetic location: 10q24.2.
Variant type: single nucleotide variant.
Coding change: c.198G>A on transcript NM_000195.5 (MANE Select); coding-DNA position 198, G replaced by A.
Protein change: p.Ser66=; no amino-acid change (serine 66 retained).
Molecular consequence: synonymous variant. On other transcripts: 5 prime UTR variant (6).
Genome position (GRCh38, 1-based): chr10:98,435,692, C>T on the plus strand (G>A on the coding strand, the complement: HPS1 is on the minus strand). VCF-style: chr10-98435692-C-T. GRCh37 (hg19) VCF-style: chr10-100195449-C-T.
Other names: c.-719G>A (NM_001311345.2); c.198G>A, p.Ser66= (NM_001322476.2, NM_001322477.2, NM_001322478.2 and 8 more transcripts); c.-29G>A (NM_001322483.2, NM_001322484.2, NM_001322485.2); c.-818G>A (NM_001322487.2); c.-576G>A (NM_001322489.2).
Identifiers: ClinVar variation 502551 (VCV000502551.22), dbSNP rs115265574, ClinGen allele CA5639479.

ClinVar aggregate classification (germline): Conflicting classifications of pathogenicity. Review status: criteria provided, conflicting classifications (1 of 4 stars). 6 submissions from 6 submitters: Uncertain significance (3); Benign (1); Likely benign (1). 1 of the submissions does not count toward it. Last evaluated 2026-01-20.

Conditions:
Hermansky-Pudlak syndrome 1 (HPS1). Also called: DELTA STORAGE POOL DISEASE. Identifiers: Orphanet 231500, Orphanet 79430, MedGen C2931875, MONDO:0008748, OMIM 203300.
Hermansky-Pudlak syndrome (HPS). Also called: ALBINISM WITH HEMORRHAGIC DIATHESIS AND PIGMENTED RETICULOENDOTHELIAL CELLS. Identifiers: Orphanet 79430, MedGen C0079504, MONDO:0019312.

Allele frequency attached by ClinVar (database versions not stated): gnomAD exomes 0.00026; ExAC 0.00028; gnomAD 0.00106 and 0.00111; ESP Exome Variant Server 0.00108; TOPMed 0.00114; 1000 Genomes Project 0.00140; 1000 Genomes Project 30x 0.00156.
gnomAD v4.1: 340 of 1,613,826 alleles (0.021%); highest among the groups gnomAD compares: African/African-American, 0.38%; 2 homozygotes.

Submissions (6):

Labcorp Genetics (formerly Invitae), Labcorp
Classification: Benign. Last evaluated: 2026-01-20. Review status: criteria provided, single submitter. Criteria: Invitae Variant Classification Sherloc (09022015). Collection method: clinical testing. Allele origin: germline.

Blueprint Genetics
Classification: Likely benign. Last evaluated: 2024-06-11. Review status: criteria provided, single submitter. Criteria: ACMG Guidelines, 2015. Collection method: clinical testing. Allele origin: germline.

Johns Hopkins Genomics, Johns Hopkins University
Classification: Uncertain significance for Hermansky-Pudlak syndrome 1. Last evaluated: 2019-01-25. Review status: criteria provided, single submitter. Criteria: ACMG Guidelines, 2015. Collection method: clinical testing. Allele origin: germline.
Comment: This HPS1 variant (rs115265574) has been identified in large population datasets and the minor allele frequency is neither low enough to consider the variant rare (>0.1%) nor high enough to consider it a population polymorphism (>1%) within the African subpopulation (gnomAD: 84/24958 alleles; 0.34%, no homozygotes). A single submitter in ClinVar classifies this variant as uncertain clinical significance (Variation ID: 502551). This variant has not been reported in the literature, to our knowledge. Bioinformatic analysis predicts that this synonymous variant would not affect normal exon 4 splicing, although this has not been confirmed experimentally to our knowledge. Due to insufficient evidence that this variant is deleterious, the clinical significance of c.198G>A is uncertain at this time.

Illumina Laboratory Services, Illumina
Classification: Uncertain significance for Hermansky-Pudlak syndrome 1. Last evaluated: 2018-01-13. Review status: criteria provided, single submitter. Criteria: ICSL Variant Classification Criteria 13 December 2019. Collection method: clinical testing. Allele origin: germline.

Eurofins Ntd Llc (ga)
Classification: Uncertain significance. Last evaluated: 2017-06-14. Review status: criteria provided, single submitter. Criteria: EGL Classification Definitions 2015. Collection method: clinical testing. Allele origin: germline. Observed: 1 variant allele, 1 heterozygote.

Natera, Inc.
Classification: Likely benign for Hermansky-Pudlak syndrome. Last evaluated: 2020-01-13. Review status: no assertion criteria provided. Collection method: clinical testing. Allele origin: germline. Not counted in ClinVar's aggregate classification.